The following is an entry in ClinVar:

NC_012920.1(MT-CYB):m.15732C>T

Gene: MT-CYB (mitochondrially encoded cytochrome b; plus strand).
Variant type: single nucleotide variant.
Genome position: chrM-15732-C-T.
Identifiers: ClinVar variation 693939 (VCV000693939.1), dbSNP rs879129589, ClinGen allele CA337100501.

ClinVar aggregate classification (germline): Likely benign (1 of 4 stars; one submission).

Conditions:
Leigh syndrome (NULS). Also called: Leigh's necrotizing encephalopathy; Leigh's disease; Leigh's syndrome; LEIGH SYNDROME, NUCLEAR; Leigh Syndrome (mtDNA deletion); Leigh Disease. Identifiers: Orphanet 506, MedGen C2931891, MONDO:0009723, OMIM 256000.

Submission:

Wong Mito Lab, Molecular and Human Genetics, Baylor College of Medicine
Classification: Likely benign for Leigh syndrome. Last evaluated: 2019-10-17. Review status: criteria provided, single submitter. Criteria: Modified ACMG Guidelines (Unpublished). Collection method: clinical testing. Allele origin: germline.
Comment: The NC_012920.1:m.15732C>T (YP_003024038.1:p.Ala329Val) variant in MTCYB gene is interpretated to be a Likely Benign variant based on the modified ACMG guidelines (unpublished). This variant meets the following evidence codes: BS1, BP4